The following is an entry in ClinVar:

NM_017986.4(SLC52A1):c.243_244del (p.Gln82fs)

Gene: SLC52A1 (solute carrier family 52 member 1; minus strand). Cytogenetic location: 17p13.2.
Variant type: Deletion.
Coding change: c.243_244del on transcript NM_017986.4 (MANE Select); coding-DNA positions 243 to 244, 2 bases deleted (CC; older notation c.243_244delCC).
Protein change: p.Gln82fs; shifts the reading frame from glutamine 82.
Molecular consequence: frameshift variant.
Genome position (GRCh38, 1-based): chr17:5,034,245-5,034,246, GG deleted on the plus strand (CC on the coding strand, the reverse complement: SLC52A1 is on the minus strand). VCF-style (leftmost placement, unchanged base first): chr17-5034244-TGG-T. GRCh37 (hg19) VCF-style: chr17-4937539-TGG-T.
Other names: c.243_244del, p.Gln82fs (NM_001104577.2); short protein forms Q82fs.
Identifiers: ClinVar variation 4770485 (VCV004770485.1).

ClinVar aggregate classification (germline): Uncertain significance (1 of 4 stars; one submission).

Conditions:
Vitamin B2 deficiency. Identifiers: MedGen C0035528.

Submission:

Labcorp Genetics (formerly Invitae), Labcorp
Classification: Uncertain significance for Vitamin B2 deficiency. Last evaluated: 2025-12-23. Review status: criteria provided, single submitter. Criteria: Invitae Variant Classification Sherloc (09022015). Collection method: clinical testing. Allele origin: germline.
Comment: This sequence change creates a premature translational stop signal (p.Gln82Glyfs*47) in the SLC52A1 gene. It is expected to result in an absent or disrupted protein product. However, the current clinical and genetic evidence is not sufficient to establish whether loss-of-function variants in SLC52A1 cause disease. This variant is present in population databases (rs772259157, gnomAD 0.0009%). This variant has not been reported in the literature in individuals affected with SLC52A1-related conditions. In summary, the available evidence is currently insufficient to determine the role of this variant in disease. Therefore, it has been classified as a Variant of Uncertain Significance.